The following is an entry in ClinVar:

ClinVar aggregate classification (germline): Uncertain significance (1 of 4 stars; one submission).

Submission:

Labcorp Genetics (formerly Invitae), Labcorp
Classification: Uncertain significance. Last evaluated: 2022-04-07. Review status: criteria provided, single submitter. Criteria: Invitae Variant Classification Sherloc (09022015). Collection method: clinical testing. Allele origin: germline.
Comment: This variant has not been reported in the literature in individuals affected with RINT1-related conditions. This variant is not present in population databases (gnomAD no frequency). This sequence change replaces serine, which is neutral and polar, with threonine, which is neutral and polar, at codon 17 of the RINT1 protein (p.Ser17Thr). Algorithms developed to predict the effect of missense changes on protein structure and function (SIFT, PolyPhen-2, Align-GVGD) all suggest that this variant is likely to be tolerated. In summary, the available evidence is currently insufficient to determine the role of this variant in disease. Therefore, it has been classified as a Variant of Uncertain Significance.

NM_021930.6(RINT1):c.49T>A (p.Ser17Thr)

Gene: RINT1 (RAD50 interactor 1; plus strand). Cytogenetic location: 7q22.3.
Variant type: single nucleotide variant.
Coding change: c.49T>A on transcript NM_021930.6 (MANE Select); coding-DNA position 49, T replaced by A.
Protein change: p.Ser17Thr; replaces serine 17 with threonine.
Molecular consequence: missense variant. On other transcripts: 5 prime UTR variant (4), non-coding transcript variant (1).
Genome position (GRCh38, 1-based): chr7:105,532,830, T>A. VCF-style: chr7-105532830-T-A. GRCh37 (hg19) VCF-style: chr7-105173277-T-A.
Other names: c.-49T>A (NM_001346599.2); c.-971T>A (NM_001346600.2); c.-874T>A (NM_001346601.2); c.-494T>A (NM_001346603.2); short protein forms S17T.
Identifiers: ClinVar variation 2115812 (VCV002115812.4), dbSNP rs2485090694, ClinGen allele CA368799269.
Genomic context (GRCh38, chr7:105,532,830, plus strand): 5'-TTTCCATCCACGACTTTAATCTTAATGTGCTTGTCACATCTGTTCTTCTTCTAGTGCTGC[T>A]CTGAAAGTGGTGACGAAAGGAAGAACCTCGAGGAGAAAAGTAAGCCAGCTCCAAACACCT-3'
Protein context (NP_068749.3, residues 7-27): IGASPAAPCC[Ser17Thr]ESGDERKNLE